The following is an entry in ClinVar:

ClinVar aggregate classification (germline): Benign/Likely benign. Review status: criteria provided, multiple submitters, no conflicts (2 of 4 stars). 3 submissions from 3 submitters: Benign (1); Likely benign (2). Last evaluated 2024-10-23.

Conditions:
Hereditary cancer-predisposing syndrome. Also called: Neoplastic Syndromes, Hereditary; Tumor predisposition; Hereditary Cancer Syndrome; Hereditary neoplastic syndrome. Identifiers: Orphanet 140162, MedGen C0027672, MeSH D009386, MONDO:0015356.
Birt-Hogg-Dube syndrome 1 (BHD1). Also called: FIBROFOLLICULOMAS WITH TRICHODISCOMAS AND ACROCHORDONS. Identifiers: Orphanet 122, MedGen CN375946, MONDO:0800445, OMIM 135150.
Birt-Hogg-Dube syndrome. Also called: Birt Hogg Dubé syndrome. Identifiers: Orphanet 122, MedGen C0346010, MONDO:0800444.

Submissions (3):

Myriad Genetics, Inc.
Classification: Benign for Birt-Hogg-Dube syndrome 1. Last evaluated: 2024-10-23. Review status: criteria provided, single submitter. Criteria: Myriad Autosomal Dominant, Autosomal Recessive and X-Linked Classification Criteria (2023). Collection method: clinical testing. Allele origin: unknown.
Comment: This variant is considered benign. This variant is a silent/synonymous amino acid change and it is not expected to impact splicing.

Ambry Genetics
Classification: Likely benign for Hereditary cancer-predisposing syndrome. Last evaluated: 2022-05-07. Review status: criteria provided, single submitter. Criteria: Ambry Variant Classification Scheme 2023. Collection method: clinical testing. Allele origin: germline.

Labcorp Genetics (formerly Invitae), Labcorp
Classification: Likely benign for Birt-Hogg-Dube syndrome. Last evaluated: 2020-07-08. Review status: criteria provided, single submitter. Criteria: Invitae Variant Classification Sherloc (09022015). Collection method: clinical testing. Allele origin: germline.

NM_144997.7(FLCN):c.921G>A (p.Glu307=)

Gene: FLCN (folliculin; minus strand). Cytogenetic location: 17p11.2.
Variant type: single nucleotide variant.
Coding change: c.921G>A on transcript NM_144997.7 (MANE Select); coding-DNA position 921, G replaced by A.
Protein change: p.Glu307=; no amino-acid change (glutamic acid 307 retained).
Molecular consequence: synonymous variant.
Genome position (GRCh38, 1-based): chr17:17,219,160, C>T on the plus strand (G>A on the coding strand, the complement: FLCN is on the minus strand). VCF-style: chr17-17219160-C-T. GRCh37 (hg19) VCF-style: chr17-17122474-C-T.
Other names: c.975G>A, p.Glu325= (NM_001353229.2); c.921G>A, p.Glu307= (NM_001353230.2, NM_001353231.2).
Identifiers: ClinVar variation 1125518 (VCV001125518.10), dbSNP rs2144897412, ClinGen allele CA498163587.